The following continues an entry in ClinVar:

NM_013275.6(ANKRD11):c.1903_1907del (p.Lys635fs)

Gene: ANKRD11. ClinVar aggregate classification (germline): Pathogenic/Likely pathogenic. Pathogenic (36); Likely pathogenic (1).

Submissions 37 to 44 of 44:

Molecular Genetics Lab, CHRU Brest
Classification: Pathogenic for KBG syndrome. Review status: criteria provided, single submitter. Criteria: ACMG Guidelines, 2015. Collection method: clinical testing. Allele origin: unknown. Affected: yes.

PreventionGenetics, part of Exact Sciences
Classification: Pathogenic for ANKRD11-related condition. Last evaluated: 2024-06-18. Review status: no assertion criteria provided. Collection method: clinical testing. Allele origin: germline. Not counted in ClinVar's aggregate classification.
Comment: The ANKRD11 c.1903_1907del5 variant is predicted to result in a frameshift and premature protein termination (p.Lys635Glnfs*26). This variant has been reported as a recurrent causative variant for KBG Syndrome (Walz et al. 2015. PubMed ID: 25413698; Low et al. 2016. PubMed ID: 27667800; Miyatake et al. 2017. PubMed ID: 28250421; Gnazzo et al. 2020. PubMed ID: 32124548). This variant has not been reported in a large population database, indicating this variant is rare. Frameshift variants in ANKRD11 are expected to be pathogenic. This variant is interpreted as pathogenic.

Service de Génétique Moléculaire, Hôpital Robert Debré
Classification: Pathogenic for KBG syndrome. Last evaluated: 2020-08-31. Review status: no assertion criteria provided. Collection method: clinical testing. Allele origin: de novo. Affected: yes. Not counted in ClinVar's aggregate classification.

Diagnostic Laboratory, Strasbourg University Hospital
Classification: Pathogenic for Intellectual disability. Last evaluated: 2016-12-01. Review status: no assertion criteria provided. Collection method: clinical testing. Allele origin: de novo. Affected: yes. Observed: 1 heterozygote. Not counted in ClinVar's aggregate classification.

Autoinflammatory diseases unit, CHU de Montpellier
Classification: Pathogenic for KBG syndrome. Last evaluated: 2014-12-15. Review status: no assertion criteria provided. Collection method: clinical testing. Allele origin: de novo. Affected: yes. Observed: 3 variant alleles. Not counted in ClinVar's aggregate classification.

GeneReviews
No classification provided. Condition: KBG syndrome. Review status: no classification provided. Collection method: literature only. Allele origin: germline. Not counted in ClinVar's aggregate classification.

NIHR Bioresource Rare Diseases, University of Cambridge
Classification: Pathogenic for Conductive hearing impairment; Delayed speech and language development; Seizure; Global developmental delay; Abnormal facial shape. Review status: no assertion criteria provided. Collection method: research. Allele origin: unknown. Affected: yes. Observed: 1 variant allele. Not counted in ClinVar's aggregate classification.

Service de Génétique Moléculaire, Hôpital Robert Debré
Classification: Pathogenic for Rare genetic intellectual disability. Review status: no assertion criteria provided. Collection method: clinical testing. Allele origin: de novo. Affected: yes. Not counted in ClinVar's aggregate classification.

Literature cited by the submitters: PubMed 28250421 (cited by 5 submitters); PubMed 28449295 (cited by 5 submitters); PubMed 27667800 (cited by 6 submitters); PubMed 27605097 (cited by 5 submitters); PubMed 33955014 (cited by Medical Genetics Center, Maternal and Child Health Hospital of Hubei Province and Institute for Human Genetics, University Hospital Essen); PubMed 29158550 (cited by Medical Genetics Center, Maternal and Child Health Hospital of Hubei Province); PubMed 25833229 (cited by 4 submitters); PubMed 42808190 (cited by Umrani?ye Training and Research Hospital); PubMed 25424714 (cited by Dasa and Rady Children's Institute for Genomic Medicine, Rady Children's Hospital San Diego); PubMed 21782149 (cited by 4 submitters); PubMed 35330407 (cited by Dasa); PubMed 28422132 (cited by Dasa); PubMed 25125236 (cited by Variantyx, Inc. and Labcorp Genetics (formerly Invitae), Labcorp); PubMed 25413698 (cited by 5 submitters); PubMed 25652421 (cited by Variantyx, Inc. and Labcorp Genetics (formerly Invitae), Labcorp); PubMed 25533962 (cited by Labcorp Genetics (formerly Invitae), Labcorp and Rady Children's Institute for Genomic Medicine, Rady Children's Hospital San Diego); PubMed 15184363 (cited by Rady Children's Institute for Genomic Medicine, Rady Children's Hospital San Diego); PubMed 25556659 (cited by Rady Children's Institute for Genomic Medicine, Rady Children's Hospital San Diego); PubMed 29565525 (cited by Rady Children's Institute for Genomic Medicine, Rady Children's Hospital San Diego and GeneReviews); PubMed 32124548 (cited by Rady Children's Institute for Genomic Medicine, Rady Children's Hospital San Diego); PubMed 26269249 (cited by Ambry Genetics); PubMed 29258554 (cited by Victorian Clinical Genetics Services, Murdoch Childrens Research Institute); PubMed 36446582 (cited by Victorian Clinical Genetics Services, Murdoch Childrens Research Institute); PubMed 25326635 (cited by Baylor Genetics); PubMed 32581362 (cited by NIHR Bioresource Rare Diseases, University of Cambridge).